The following is an entry in ClinVar:

NM_000138.5(FBN1):c.2419+7C>T

Gene: FBN1 (fibrillin 1; minus strand). Cytogenetic location: 15q21.1.
Variant type: single nucleotide variant.
Coding change: c.2419+7C>T on transcript NM_000138.5 (MANE Select); 7 bases into the intron after coding-DNA position 2419, C replaced by T.
Molecular consequence: intron variant.
Genome position (GRCh38, 1-based): chr15:48,496,093, G>A on the plus strand (C>T on the coding strand, the complement: FBN1 is on the minus strand). VCF-style: chr15-48496093-G-A. GRCh37 (hg19) VCF-style: chr15-48788290-G-A.
Identifiers: ClinVar variation 703528 (VCV000703528.10), dbSNP rs773155136, ClinGen allele CA047593.

ClinVar aggregate classification (germline): Likely benign. Review status: criteria provided, multiple submitters, no conflicts (2 of 4 stars). 2 submissions from 2 submitters: Likely benign (2). Last evaluated 2026-07-19.

Conditions:
Marfan syndrome (MFS). Also called: MARFAN SYNDROME, TYPE I; FBN1-Related Marfan Syndrome; Marfan syndrome type 1; Marfan's syndrome; Marfan syndrome, classic. Identifiers: Orphanet 284963, Orphanet 558, MedGen C0024796, MONDO:0007947, OMIM 154700.
Familial thoracic aortic aneurysm and aortic dissection (TAAD). Also called: Thoracic aortic aneurysms and dissections. Identifiers: Orphanet 91387, MedGen C4707243, MONDO:0019625.
FBN1-related disorder. Also called: FBN1-related disorders.

Allele frequency attached by ClinVar (database versions not stated): ExAC 0.00001; TOPMed 0.00002; gnomAD exomes 0.00001 and 0.00002.
gnomAD v4.1: 4 of 1,613,586 alleles (0.00025%); highest among the groups gnomAD compares: Admixed American, 0.0067%; no homozygotes.

Submissions (2):

PreventionGenetics, part of Exact Sciences
Classification: Likely benign for FBN1-related condition. Last evaluated: 2026-07-19. Review status: criteria provided, single submitter. Criteria: ACMG Guidelines, 2015. Collection method: clinical testing. Allele origin: germline.
Comment: This variant is classified as likely benign based on ACMG/AMP sequence variant interpretation guidelines (Richards et al. 2015 PMID: 25741868, with internal and published modifications).

Labcorp Genetics (formerly Invitae), Labcorp
Classification: Likely benign for Marfan syndrome; Familial thoracic aortic aneurysm and aortic dissection. Last evaluated: 2025-01-15. Review status: criteria provided, single submitter. Criteria: Invitae Variant Classification Sherloc (09022015). Collection method: clinical testing. Allele origin: germline.